The following is an entry in ClinVar:

ClinVar aggregate classification (germline): Pathogenic (1 of 4 stars; one submission).

Conditions:
Tumor predisposition syndrome 3 (TPDS3). Also called: LONG TELOMERE SYNDROME, POT1-RELATED; POT1 Tumor Predisposition; Melanoma, cutaneous malignant, susceptibility to, 10; Glioma susceptibility 9. Identifiers: Orphanet 618, MedGen C4014476, MONDO:0014368, OMIM 615848.

Submission:

Labcorp Genetics (formerly Invitae), Labcorp
Classification: Pathogenic for Tumor predisposition syndrome 3. Last evaluated: 2023-05-21. Review status: criteria provided, single submitter. Criteria: Invitae Variant Classification Sherloc (09022015). Collection method: clinical testing. Allele origin: germline.
Comment: For these reasons, this variant has been classified as Pathogenic. This variant has not been reported in the literature in individuals affected with POT1-related conditions. This variant is not present in population databases (gnomAD no frequency). This sequence change creates a premature translational stop signal (p.Trp194*) in the POT1 gene. It is expected to result in an absent or disrupted protein product. Loss-of-function variants in POT1 are known to be pathogenic (PMID: 32155570).

Literature cited by the submitters: PubMed 32155570.

NM_015450.3(POT1):c.582G>A (p.Trp194Ter)

Gene: POT1 (protection of telomeres 1; minus strand). Cytogenetic location: 7q31.33.
Variant type: single nucleotide variant.
Coding change: c.582G>A on transcript NM_015450.3 (MANE Select); coding-DNA position 582, G replaced by A.
Protein change: p.Trp194Ter; replaces tryptophan 194 with a stop codon.
Molecular consequence: nonsense. On other transcripts: non-coding transcript variant (3).
Genome position (GRCh38, 1-based): chr7:124,859,077, C>T on the plus strand (G>A on the coding strand, the complement: POT1 is on the minus strand). VCF-style: chr7-124859077-C-T. GRCh37 (hg19) VCF-style: chr7-124499131-C-T.
Other names: c.189G>A, p.Trp63Ter (NM_001042594.2); short protein forms W63*, W194*.
Identifiers: ClinVar variation 2866552 (VCV002866552.3), dbSNP rs2116526346, ClinGen allele CA369056719.